The following is an entry in ClinVar:

NR_199791.1(RNU2-2):n.159_163del

Genes: RNU2-2 (RNA, U2 small nuclear 2; minus strand), WDR74 (WD repeat domain 74; minus strand). Cytogenetic location: 11q12.3.
Variant type: Deletion.
Molecular consequence: non-coding transcript variant (on NR_199791.1). On other transcripts: 5 prime UTR variant (1).
Genome position: GRCh38 VCF-style: chr11-62841646-GCAATA-G. GRCh37 (hg19) VCF-style: chr11-62609118-GCAATA-G.
Other names: c.-380_-376del (NM_001369451.1).
Identifiers: ClinVar variation 4540538 (VCV004540538.1).

ClinVar aggregate classification (germline): Uncertain significance (1 of 4 stars; one submission).

Submission:

Institute for Human Genetics, University Hospital Essen
Classification: Uncertain significance. Last evaluated: 2025-11-27. Review status: criteria provided, single submitter. Criteria: Submitter's publication. Collection method: clinical testing. Allele origin: inherited. Inheritance: Autosomal unknown. Affected: yes. Observed: 1 variant allele, 1 compound heterozygote.
Comment: PM1_supp, PM2_supp (criteria rationale detailed in Leitão et al. Nature Genetics 2026)